The following is an entry in ClinVar:

ClinVar aggregate classification (germline): Uncertain significance (1 of 4 stars; one submission).

Allele frequency attached by ClinVar (database versions not stated): gnomAD 0.00001; TOPMed 0.00002; ExAC 0.00004.
gnomAD v4.1: 9 of 1,175,740 alleles (0.00077%); highest among the groups gnomAD compares: Non-Finnish European, 0.001%; no homozygotes.

Submission:

GeneDx
Classification: Uncertain significance. Last evaluated: 2020-03-07. Review status: criteria provided, single submitter. Criteria: GeneDx Variant Classification Process June 2021. Collection method: clinical testing. Allele origin: germline. Affected: yes.
Comment: In silico analysis supports that this missense variant does not alter protein structure/function; Has not been previously published as pathogenic or benign to our knowledge

NM_031206.7(LAS1L):c.1445G>A (p.Arg482Gln)

Gene: LAS1L (LAS1 like ribosome biogenesis factor; minus strand). Cytogenetic location: Xq12.
Variant type: single nucleotide variant.
Coding change: c.1445G>A on transcript NM_031206.7 (MANE Select); coding-DNA position 1445, G replaced by A.
Protein change: p.Arg482Gln; replaces arginine 482 with glutamine.
Molecular consequence: missense variant. On other transcripts: non-coding transcript variant (1).
Genome position (GRCh38, 1-based): chrX:65,523,563, C>T on the plus strand (G>A on the coding strand, the complement: LAS1L is on the minus strand). VCF-style: chrX-65523563-C-T. GRCh37 (hg19) VCF-style: chrX-64743443-C-T.
Other names: c.1394G>A, p.Arg465Gln (NM_001170649.2, NM_001375331.1, NM_001375333.1 and 2 more transcripts); c.1268G>A, p.Arg423Gln (NM_001170650.2); c.1445G>A, p.Arg482Gln (NM_001375328.1, NM_001375329.1, NM_001375330.1 and 2 more transcripts); c.488G>A, p.Arg163Gln (NM_001375332.1); short protein forms R163Q, R423Q, R465Q, R482Q.
Identifiers: ClinVar variation 1315266 (VCV001315266.2), dbSNP rs768581652, ClinGen allele CA10433924.